The following is an entry in ClinVar:

NM_001375380.1(EBF3):c.187C>T (p.Arg63Trp)

Gene: EBF3 (EBF transcription factor 3; minus strand). Cytogenetic location: 10q26.3.
Variant type: single nucleotide variant.
Coding change: c.187C>T on transcript NM_001375380.1 (MANE Select); coding-DNA position 187, C replaced by T.
Protein change: p.Arg63Trp; replaces arginine 63 with tryptophan.
Molecular consequence: missense variant.
Genome position (GRCh38, 1-based): chr10:129,963,471, G>A on the plus strand (C>T on the coding strand, the complement: EBF3 is on the minus strand). VCF-style: chr10-129963471-G-A. GRCh37 (hg19) VCF-style: chr10-131761735-G-A.
Other names: c.187C>T, p.Arg63Trp (NM_001005463.3, NM_001375379.1, NM_001375389.1 and 3 more transcripts); c.187C>T (NM_001005463.2); short protein forms R63W.
Identifiers: ClinVar variation 1285453 (VCV001285453.6), dbSNP rs2134659512, ClinGen allele CA378911331.

ClinVar aggregate classification (germline): Pathogenic/Likely pathogenic. Review status: criteria provided, multiple submitters, no conflicts (2 of 4 stars). 2 submissions from 2 submitters: Pathogenic (1); Likely pathogenic (1). Last evaluated 2025-09-15.

Conditions:
Hypotonia, ataxia, and delayed development syndrome (HADDS). Also called: EBF3 Neurodevelopmental Disorder. Identifiers: Orphanet 658843, MedGen C4310618, MONDO:0015021, OMIM 617330.

Submissions (2):

GeneDx
Classification: Pathogenic. Last evaluated: 2025-09-15. Review status: criteria provided, single submitter. Criteria: GeneDx Variant Classification Process June 2021. Collection method: clinical testing. Allele origin: germline.
Comment: In silico analysis supports that this missense variant has a deleterious effect on protein structure/function; Not observed at significant frequency in large population cohorts (gnomAD); Has not been previously published as pathogenic or benign to our knowledge

Institute of Human Genetics, University of Leipzig Medical Center
Classification: Likely pathogenic for Hypotonia, ataxia, and delayed development syndrome. Last evaluated: 2020-11-12. Review status: criteria provided, single submitter. Criteria: ACMG Guidelines, 2015. Collection method: clinical testing. Allele origin: de novo. Affected: yes.
Comment: Criteria applied: PS2_MOD, PMI_SUP, PM2-SUP, PM5-SUP, PP2